The following is an entry in ClinVar:

ClinVar aggregate classification (germline): Conflicting classifications of pathogenicity. Review status: criteria provided, conflicting classifications (1 of 4 stars). 2 submissions from 2 submitters: Uncertain significance (1); Likely benign (1). Last evaluated 2024-03-06.

Conditions:
Hereditary cancer-predisposing syndrome. Also called: Hereditary neoplastic syndrome; Hereditary Cancer Syndrome; Neoplastic Syndromes, Hereditary; Tumor predisposition. Identifiers: Orphanet 140162, MedGen C0027672, MeSH D009386, MONDO:0015356.
Familial cancer of breast. Also called: hereditary breast carcinoma; BREAST CANCER, FAMILIAL; Hereditary breast cancer. Identifiers: Orphanet 227535, MedGen C0346153, MONDO:0016419, OMIM 114480. Disease mechanism: loss of function.

Allele frequency attached by ClinVar (database versions not stated): TOPMed below 0.00001; gnomAD exomes 0.00001.
gnomAD v4.1: 4 of 1,614,146 alleles (0.00025%); highest among the groups gnomAD compares: South Asian, 0.0033%; no homozygotes.

Submissions (2):

Ambry Genetics
Classification: Likely benign for Hereditary cancer-predisposing syndrome. Last evaluated: 2024-03-06. Review status: criteria provided, single submitter. Criteria: Ambry Variant Classification Scheme 2023. Collection method: clinical testing. Allele origin: germline.

Labcorp Genetics (formerly Invitae), Labcorp
Classification: Uncertain significance for Familial cancer of breast. Last evaluated: 2024-03-01. Review status: criteria provided, single submitter. Criteria: Invitae Variant Classification Sherloc (09022015). Collection method: clinical testing. Allele origin: germline.
Comment: This sequence change replaces serine, which is neutral and polar, with glycine, which is neutral and non-polar, at codon 344 of the BARD1 protein (p.Ser344Gly). This variant is present in population databases (no rsID available, gnomAD 0.01%). This variant has not been reported in the literature in individuals affected with BARD1-related conditions. ClinVar contains an entry for this variant (Variation ID: 1404041). Algorithms developed to predict the effect of missense changes on protein structure and function output the following: SIFT: "Not Available"; PolyPhen-2: "Benign"; Align-GVGD: "Not Available". The glycine amino acid residue is found in multiple mammalian species, which suggests that this missense change does not adversely affect protein function. In summary, the available evidence is currently insufficient to determine the role of this variant in disease. Therefore, it has been classified as a Variant of Uncertain Significance.

NM_000465.4(BARD1):c.1030A>G (p.Ser344Gly)

Gene: BARD1 (BRCA1 associated RING domain 1; minus strand). Cytogenetic location: 2q35.
Variant type: single nucleotide variant.
Coding change: c.1030A>G on transcript NM_000465.4 (MANE Select); coding-DNA position 1030, A replaced by G.
Protein change: p.Ser344Gly; replaces serine 344 with glycine.
Molecular consequence: missense variant. On other transcripts: non-coding transcript variant (2), intron variant (3).
Genome position (GRCh38, 1-based): chr2:214,780,844, T>C on the plus strand (A>G on the coding strand, the complement: BARD1 is on the minus strand). VCF-style: chr2-214780844-T-C. GRCh37 (hg19) VCF-style: chr2-215645568-T-C.
Other names: c.1030A>G (NM_000465.2); c.973A>G, p.Ser325Gly (NM_001282543.2); c.159-28289A>G (NM_001282548.2); c.215+16217A>G (NM_001282545.2); c.364+11453A>G (NM_001282549.2); short protein forms S325G, S344G.
Identifiers: ClinVar variation 1404041 (VCV001404041.10), dbSNP rs1278959534, ClinGen allele CA350454268.